The following is an entry in ClinVar:

NM_001080.3(ALDH5A1):c.*765G>A

Gene: ALDH5A1 (aldehyde dehydrogenase 5 family member A1; plus strand). Cytogenetic location: 6p22.3.
Variant type: single nucleotide variant.
Coding change: c.*765G>A on transcript NM_001080.3 (MANE Select); 765 bases downstream of the stop codon, G replaced by A.
Molecular consequence: 3 prime UTR variant.
Genome position (GRCh38, 1-based): chr6:24,534,477, G>A. VCF-style: chr6-24534477-G-A. GRCh37 (hg19) VCF-style: chr6-24534705-G-A.
Other names: c.*765G>A (NM_001368954.1, NM_170740.1).
Identifiers: ClinVar variation 356155 (VCV000356155.5), dbSNP rs11558625, ClinGen allele CA10626363.

ClinVar aggregate classification (germline): Benign (1 of 4 stars; one submission).

Conditions:
Succinate-semialdehyde dehydrogenase deficiency (SSADHD). Also called: Succinic Semialdehyde Dehydrogenase Deficiency; 4-HYDROXYBUTYRIC ACIDURIA; GABA METABOLIC DEFECT; SSADH DEFICIENCY. Identifiers: Orphanet 22, MedGen C0268631, MONDO:0010083, OMIM 271980.

Allele frequency attached by ClinVar (database versions not stated): gnomAD exomes 0.00420; 1000 Genomes Project 0.02037; gnomAD 0.02153 and 0.02287; 1000 Genomes Project 30x 0.02295; TOPMed 0.02562.
gnomAD v4.1: 3,252 of 152,514 alleles (2.1%); highest among the groups gnomAD compares: African/African-American, 5.5%; 55 homozygotes.

Submission:

Illumina Laboratory Services, Illumina
Classification: Benign for Succinate-semialdehyde dehydrogenase deficiency. Last evaluated: 2018-01-12. Review status: criteria provided, single submitter. Criteria: ICSL Variant Classification Criteria 13 December 2019. Collection method: clinical testing. Allele origin: germline.
Comment: This variant was observed in the ICSL laboratory as part of a predisposition screen in an ostensibly healthy population. It had not been previously curated by ICSL or reported in the Human Gene Mutation Database (HGMD: prior to June 1st, 2018), and was therefore a candidate for classification through an automated scoring system. Utilizing variant allele frequency, disease prevalence and penetrance estimates, and inheritance mode, an automated score was calculated to assess if this variant is too frequent to cause the disease. Based on the score and internal cut-off values, a variant classified as benign is not then subjected to further curation. The score for this variant resulted in a classification of benign for this disease.